The following is an entry in ClinVar:

NM_000368.5(TSC1):c.1903A>C (p.Thr635Pro)

Gene: TSC1 (TSC complex subunit 1; minus strand). Cytogenetic location: 9q34.13.
Variant type: single nucleotide variant.
Coding change: c.1903A>C on transcript NM_000368.5 (MANE Select); coding-DNA position 1903, A replaced by C.
Protein change: p.Thr635Pro; replaces threonine 635 with proline.
Molecular consequence: missense variant. On other transcripts: non-coding transcript variant (5).
Genome position (GRCh38, 1-based): chr9:132,905,675, T>G on the plus strand (A>C on the coding strand, the complement: TSC1 is on the minus strand). VCF-style: chr9-132905675-T-G. GRCh37 (hg19) VCF-style: chr9-135781062-T-G.
Other names: c.1537A>C, p.Thr513Pro (NM_001406621.1, NM_001406622.1, NM_001406623.1 and 2 more transcripts); c.1540A>C, p.Thr514Pro (NM_001406624.1, NM_001362177.2, NM_001406614.1 and 5 more transcripts); c.952A>C, p.Thr318Pro (NM_001406626.1); c.949A>C, p.Thr317Pro (NM_001406627.1, NM_001406628.1); c.850A>C, p.Thr284Pro (NM_001406629.1, NM_001406630.1); c.1900A>C, p.Thr634Pro (NM_001162426.2, NM_001406597.1, NM_001406598.1 and 6 more transcripts); c.1750A>C, p.Thr584Pro (NM_001162427.2, NM_001406610.1); c.1903A>C, p.Thr635Pro (NM_001406592.1, NM_001406593.1, NM_001406594.1 and 7 more transcripts); and 1 more; short protein forms T317P, T583P, T513P, T284P, T318P, T635P, T514P, T584P.
Identifiers: ClinVar variation 2712912 (VCV002712912.3), dbSNP rs2131814635, ClinGen allele CA375362793.

ClinVar aggregate classification (germline): Uncertain significance (1 of 4 stars; one submission).

Conditions:
Tuberous sclerosis 1 (TSC1). Identifiers: Orphanet 805, MedGen C1854465, MONDO:0008612, OMIM 191100.

Submission:

Labcorp Genetics (formerly Invitae), Labcorp
Classification: Uncertain significance for Tuberous sclerosis 1. Last evaluated: 2023-05-24. Review status: criteria provided, single submitter. Criteria: Invitae Variant Classification Sherloc (09022015). Collection method: clinical testing. Allele origin: germline.
Comment: In summary, the available evidence is currently insufficient to determine the role of this variant in disease. Therefore, it has been classified as a Variant of Uncertain Significance. Advanced modeling of protein sequence and biophysical properties (such as structural, functional, and spatial information, amino acid conservation, physicochemical variation, residue mobility, and thermodynamic stability) performed at Invitae indicates that this missense variant is not expected to disrupt TSC1 protein function. This variant has not been reported in the literature in individuals affected with TSC1-related conditions. This variant is not present in population databases (gnomAD no frequency). This sequence change replaces threonine, which is neutral and polar, with proline, which is neutral and non-polar, at codon 635 of the TSC1 protein (p.Thr635Pro).